The following is an entry in ClinVar:

ClinVar aggregate classification (germline): Uncertain significance (1 of 4 stars; one submission).

Submission:

CeGaT Center for Human Genetics Tuebingen
Classification: Uncertain significance. Last evaluated: 2025-12-01. Review status: criteria provided, single submitter. Criteria: CeGaT Center For Human Genetics Tuebingen Variant Classification Criteria Version 2. Collection method: clinical testing. Allele origin: germline. Affected: yes. Observed: 1 variant allele.
Comment: POGZ: PM2, BP4

NM_015100.4(POGZ):c.3868A>G (p.Thr1290Ala)

Gene: POGZ (pogo transposable element derived with ZNF domain; minus strand). Cytogenetic location: 1q21.3.
Variant type: single nucleotide variant.
Coding change: c.3868A>G on transcript NM_015100.4 (MANE Select); coding-DNA position 3868, A replaced by G.
Protein change: p.Thr1290Ala; replaces threonine 1290 with alanine.
Molecular consequence: missense variant.
Genome position (GRCh38, 1-based): chr1:151,405,167, T>C on the plus strand (A>G on the coding strand, the complement: POGZ is on the minus strand). VCF-style: chr1-151405167-T-C. GRCh37 (hg19) VCF-style: chr1-151377643-T-C.
Other names: c.3841A>G, p.Thr1281Ala (NM_001194937.2); c.3682A>G, p.Thr1228Ala (NM_001194938.2); c.3889A>G, p.Thr1297Ala (NM_001410860.1); c.3583A>G, p.Thr1195Ala (NM_145796.4); c.3709A>G, p.Thr1237Ala (NM_207171.2); short protein forms T1195A, T1228A, T1237A, T1281A, T1290A, T1297A.
Identifiers: ClinVar variation 4682006 (VCV004682006.5).